The following is an entry in ClinVar:

NM_014975.3(MAST1):c.3707C>G (p.Pro1236Arg)

Gene: MAST1 (microtubule associated serine/threonine kinase 1; plus strand). Cytogenetic location: 19p13.13.
Variant type: single nucleotide variant.
Coding change: c.3707C>G on transcript NM_014975.3 (MANE Select); coding-DNA position 3707, C replaced by G.
Protein change: p.Pro1236Arg; replaces proline 1236 with arginine.
Molecular consequence: missense variant.
Genome position (GRCh38, 1-based): chr19:12,873,864, C>G. VCF-style: chr19-12873864-C-G. GRCh37 (hg19) VCF-style: chr19-12984678-C-G.
Other names: short protein forms P1236R.
Identifiers: ClinVar variation 2506638 (VCV002506638.1), dbSNP rs2512544951, ClinGen allele CA404288906.

ClinVar aggregate classification (germline): Uncertain significance (1 of 4 stars; one submission).

Submission:

GeneDx
Classification: Uncertain significance. Last evaluated: 2022-12-20. Review status: criteria provided, single submitter. Criteria: GeneDx Variant Classification Process June 2021. Collection method: clinical testing. Allele origin: germline. Affected: yes.
Comment: Not observed at significant frequency in large population cohorts (gnomAD); In silico analysis supports that this missense variant has a deleterious effect on protein structure/function; Has not been previously published as pathogenic or benign to our knowledge